The following is an entry in ClinVar:

NM_020884.7(MYH7B):c.2666A>T (p.Gln889Leu)

Gene: MYH7B (myosin heavy chain 7B; plus strand). Cytogenetic location: 20q11.22.
Variant type: single nucleotide variant.
Coding change: c.2666A>T on transcript NM_020884.7 (MANE Select); coding-DNA position 2666, A replaced by T.
Protein change: p.Gln889Leu; replaces glutamine 889 with leucine.
Molecular consequence: missense variant.
Genome position (GRCh38, 1-based): chr20:34,994,367, A>T. VCF-style: chr20-34994367-A-T. GRCh37 (hg19) VCF-style: chr20-33582170-A-T.
Other names: short protein forms Q889L.
Identifiers: ClinVar variation 1450725 (VCV001450725.6), dbSNP rs370253211, ClinGen allele CA9827448.

ClinVar aggregate classification (germline): Uncertain significance (1 of 4 stars; one submission).

Allele frequency attached by ClinVar (database versions not stated): ExAC 0.00005; gnomAD exomes 0.00006 and 0.00010; gnomAD 0.00010; TOPMed 0.00011; ESP Exome Variant Server 0.00024.
gnomAD v4.1: 158 of 1,596,802 alleles (0.0099%); highest among the groups gnomAD compares: Non-Finnish European, 0.013%; no homozygotes.

Submission:

Labcorp Genetics (formerly Invitae), Labcorp
Classification: Uncertain significance. Last evaluated: 2021-09-03. Review status: criteria provided, single submitter. Criteria: Invitae Variant Classification Sherloc (09022015). Collection method: clinical testing. Allele origin: germline.
Comment: In summary, the available evidence is currently insufficient to determine the role of this variant in disease. Therefore, it has been classified as a Variant of Uncertain Significance. This sequence change replaces glutamine with leucine at codon 931 of the MYH7B protein (p.Gln931Leu). The glutamine residue is highly conserved and there is a moderate physicochemical difference between glutamine and leucine. This variant is present in population databases (rs370253211, ExAC 0.04%). This variant has not been reported in the literature in individuals affected with MYH7B-related conditions. Algorithms developed to predict the effect of missense changes on protein structure and function (SIFT, PolyPhen-2, Align-GVGD) all suggest that this variant is likely to be disruptive.